The following is an entry in ClinVar:

NM_001563.4(IMPG1):c.586C>T (p.Pro196Ser)

Gene: IMPG1 (interphotoreceptor matrix proteoglycan 1; minus strand). Cytogenetic location: 6q14.1.
Variant type: single nucleotide variant.
Coding change: c.586C>T on transcript NM_001563.4 (MANE Select); coding-DNA position 586, C replaced by T.
Protein change: p.Pro196Ser; replaces proline 196 with serine.
Molecular consequence: missense variant.
Genome position (GRCh38, 1-based): chr6:76,022,196, G>A on the plus strand (C>T on the coding strand, the complement: IMPG1 is on the minus strand). VCF-style: chr6-76022196-G-A. GRCh37 (hg19) VCF-style: chr6-76731913-G-A.
Other names: c.352C>T, p.Pro118Ser (NM_001282368.2); c.586C>T (NM_001563.3); short protein forms P118S, P196S.
Identifiers: ClinVar variation 1438817 (VCV001438817.9), dbSNP rs767983922, ClinGen allele CA3898419.
Genomic context (GRCh38, chr6:76,022,196, plus strand): 5'-CGTTGAGTGTATTATCGAGAATTTCATTGAGGAGGGTGTCATCAGGAGTGAGAGGGAAAG[G>A]CCCAAGTGAGACGTTGGCAACATCTGTGAAAATTTTAAAAATTAAAGACACAAAAATGAG-3'
Protein context (NP_001554.2, residues 186-206): STDVANVSLG[Pro196Ser]FPLTPDDTLL

ClinVar aggregate classification (germline): Conflicting classifications of pathogenicity. Review status: criteria provided, conflicting classifications (1 of 4 stars). 4 submissions from 4 submitters: Uncertain significance (2); Benign (1); Likely benign (1). Last evaluated 2026-08-31.

Conditions:
IMPG1-related disorder. Also called: IMPG1-related condition.
Retinal dystrophy. Also called: Inherited retinal dystrophy. Identifiers: Orphanet 71862, MedGen C0854723, MeSH D058499, MONDO:0019118, HP:0000556.

Allele frequency attached by ClinVar (database versions not stated): gnomAD exomes 0.00010; ExAC 0.00011; gnomAD 0.00001; TOPMed 0.00003.
gnomAD v4.1: 40 of 1,591,330 alleles (0.0025%); highest among the groups gnomAD compares: Admixed American, 0.044%; no homozygotes.

Submissions (4):

PreventionGenetics, part of Exact Sciences
Classification: Uncertain significance for IMPG1-related condition. Last evaluated: 2026-08-31. Review status: criteria provided, single submitter. Criteria: ACMG Guidelines, 2015. Collection method: clinical testing. Allele origin: germline.
Comment: The IMPG1 c.586C>T variant is predicted to result in the amino acid substitution p.Pro196Ser. To our knowledge, this variant has not been reported in the literature. This variant is reported in 0.076% of alleles in individuals of Latino descent in gnomAD, which may be too frequent to be a primary cause of disease. Although we suspect that this variant may be benign, at this time, the clinical significance of this variant is uncertain due to the absence of conclusive functional and genetic evidence.

Labcorp Genetics (formerly Invitae), Labcorp
Classification: Uncertain significance. Last evaluated: 2025-12-13. Review status: criteria provided, single submitter. Criteria: Invitae Variant Classification Sherloc (09022015). Collection method: clinical testing. Allele origin: germline.
Comment: This sequence change replaces proline, which is neutral and non-polar, with serine, which is neutral and polar, at codon 196 of the IMPG1 protein (p.Pro196Ser). This variant is present in population databases (rs767983922, gnomAD 0.08%). This variant has not been reported in the literature in individuals affected with IMPG1-related conditions. ClinVar contains an entry for this variant (Variation ID: 1438817). An algorithm developed to predict the effect of missense changes on protein structure and function outputs the following: PolyPhen-2: "Benign". The serine amino acid residue is found in multiple mammalian species, which suggests that this missense change does not adversely affect protein function. In summary, the available evidence is currently insufficient to determine the role of this variant in disease. Therefore, it has been classified as a Variant of Uncertain Significance.

Dept Of Ophthalmology, Nagoya University
Classification: Benign for Retinal dystrophy. Last evaluated: 2023-10-01. Review status: criteria provided, single submitter. Criteria: Submitter's publication. Collection method: research. Allele origin: germline. Affected: yes.

Blueprint Genetics
Classification: Likely benign. Last evaluated: 2022-01-20. Review status: criteria provided, single submitter. Criteria: ACMG Guidelines, 2015. Collection method: clinical testing. Allele origin: germline.